The following is an entry in ClinVar:

NM_017777.4(MKS1):c.1048C>G (p.Gln350Glu)

Gene: MKS1 (MKS transition zone complex subunit 1; minus strand). Cytogenetic location: 17q22.
Variant type: single nucleotide variant.
Coding change: c.1048C>G on transcript NM_017777.4 (MANE Select); coding-DNA position 1048, C replaced by G.
Protein change: p.Gln350Glu; replaces glutamine 350 with glutamic acid.
Molecular consequence: missense variant.
Genome position (GRCh38, 1-based): chr17:58,208,560, G>C on the plus strand (C>G on the coding strand, the complement: MKS1 is on the minus strand). VCF-style: chr17-58208560-G-C. GRCh37 (hg19) VCF-style: chr17-56285921-G-C.
Other names: c.439C>G, p.Gln147Glu (NM_001321268.2); c.1048C>G, p.Gln350Glu (NM_001321269.2, NM_001330397.2); short protein forms Q350E, Q147E.
Identifiers: ClinVar variation 56613 (VCV000056613.2), dbSNP rs386834041, ClinGen allele CA344733.

ClinVar aggregate classification (germline): Likely pathogenic (0 of 4 stars; one submission).

Conditions:
Meckel syndrome, type 1 (MKS1). Also called: MECKEL-GRUBER SYNDROME, TYPE 1. Identifiers: Orphanet 564, MedGen C3714506, MONDO:0009571, OMIM 249000.

Submission:

Juha Muilu Group; Institute for Molecular Medicine Finland (FIMM)
Classification: Likely pathogenic for Meckel syndrome type1. Review status: no assertion criteria provided. Collection method: not provided. Allele origin: unknown.
Comment: FinDis database variant: This variant was not found or characterized by our laboratory, data were collected from public sources: see reference
ClinVar note: Converted during submission from probable-pathogenic to Likely pathogenic.